The following is an entry in ClinVar:

ClinVar aggregate classification (germline): Uncertain significance (1 of 4 stars; one submission).

gnomAD v4.1: 26 of 765,338 alleles (0.0034%); highest among the groups gnomAD compares: Admixed American, 0.022%; no homozygotes.

Submission:

Labcorp Genetics (formerly Invitae), Labcorp
Classification: Uncertain significance. Last evaluated: 2026-01-19. Review status: criteria provided, single submitter. Criteria: Invitae Variant Classification Sherloc (09022015). Collection method: clinical testing. Allele origin: germline.
Comment: This variant occurs in the SNORD118 gene, which encodes an RNA molecule that does not result in a protein product. This variant is present in population databases (rs201264521, gnomAD 0.02%). This variant has not been reported in the literature in individuals affected with SNORD118-related conditions. ClinVar contains an entry for this variant (Variation ID: 1904163). Experimental studies and prediction algorithms are not available or were not evaluated, and the functional significance of this variant is currently unknown. In summary, the available evidence is currently insufficient to determine the role of this variant in disease. Therefore, it has been classified as a Variant of Uncertain Significance.

NR_033294.2(SNORD118):n.48T>G

Genes: SNORD118 (small nucleolar RNA, C/D box 118; minus strand), TMEM107 (transmembrane protein 107; minus strand). Cytogenetic location: 17p13.1.
Variant type: single nucleotide variant.
Molecular consequence: non-coding transcript variant (on NR_033294.2). On other transcripts: 3 prime UTR variant (5).
Genome position: GRCh38 VCF-style: chr17-8173541-A-C. GRCh37 (hg19) VCF-style: chr17-8076859-A-C.
Other names: c.*662T>G (NM_001351278.2, NM_001351279.2, NM_001351280.2 and 2 more transcripts).
Identifiers: ClinVar variation 1904163 (VCV001904163.5), dbSNP rs201264521, ClinGen allele CA8370737.